The following is an entry in ClinVar:

ClinVar aggregate classification (germline): Likely benign. Review status: criteria provided, multiple submitters, no conflicts (2 of 4 stars). 4 submissions from 4 submitters: Likely benign (3). 1 of the submissions does not count toward it. Last evaluated 2026-02-01.

Conditions:
Autosomal recessive nonsyndromic hearing loss 84A. Also called: DEAFNESS, AUTOSOMAL RECESSIVE 84A; DEAFNESS, AUTOSOMAL RECESSIVE 84A, WITH VESTIBULAR DYSFUNCTION. Identifiers: Orphanet 90636, MedGen C3150654, MONDO:0013249, OMIM 613391.

Allele frequency attached by ClinVar (database versions not stated): gnomAD 0.00021 and 0.00025; ESP Exome Variant Server 0.00022; TOPMed 0.00023; ExAC 0.00036; gnomAD exomes 0.00059; 1000 Genomes Project 0.00060; 1000 Genomes Project 30x 0.00078.
gnomAD v4.1: 204 of 1,551,146 alleles (0.013%); highest among the groups gnomAD compares: East Asian, 0.36%; no homozygotes.

Submissions (4):

CeGaT Center for Human Genetics Tuebingen
Classification: Likely benign. Last evaluated: 2026-02-01. Review status: criteria provided, single submitter. Criteria: CeGaT Center For Human Genetics Tuebingen Variant Classification Criteria Version 2. Collection method: clinical testing. Allele origin: germline. Affected: yes. Observed: 1 variant allele.
Comment: PTPRQ: BP4

Blueprint Genetics
Classification: Likely benign. Last evaluated: 2024-11-21. Review status: criteria provided, single submitter. Criteria: ACMG Guidelines, 2015. Collection method: clinical testing. Allele origin: germline.

GeneDx
Classification: Likely benign. Last evaluated: 2020-08-26. Review status: criteria provided, single submitter. Criteria: GeneDx Variant Classification Process June 2021. Collection method: clinical testing. Allele origin: germline. Affected: yes.

WangQJ Lab, Chinese People's Liberation Army General Hospital
Classification: Uncertain significance for Autosomal recessive nonsyndromic hearing loss 84A. Last evaluated: 2021-07-01. Review status: no assertion criteria provided. Collection method: clinical testing. Allele origin: paternal. Affected: yes. Not counted in ClinVar's aggregate classification.

NM_001145026.2(PTPRQ):c.6526G>A (p.Ala2176Thr)

Gene: PTPRQ (protein tyrosine phosphatase receptor type Q; plus strand). Cytogenetic location: 12q21.31.
Variant type: single nucleotide variant.
Coding change: c.6526G>A on transcript NM_001145026.2 (MANE Select); coding-DNA position 6526, G replaced by A.
Protein change: p.Ala2176Thr; replaces alanine 2176 with threonine.
Molecular consequence: missense variant.
Genome position (GRCh38, 1-based): chr12:80,670,416, G>A. VCF-style: chr12-80670416-G-A. GRCh37 (hg19) VCF-style: chr12-81064195-G-A.
Other names: c.6526G>A (NM_001145026.1); short protein forms A2176T.
Identifiers: ClinVar variation 1185114 (VCV001185114.9), dbSNP rs201371823, ClinGen allele CA6702968.